The following is an entry in ClinVar:

ClinVar aggregate classification (germline): Benign/Likely benign. Review status: criteria provided, multiple submitters, no conflicts (2 of 4 stars). 5 submissions from 5 submitters: Benign (1); Likely benign (3). 1 of the submissions does not count toward it. Last evaluated 2025-10-26.

Conditions:
CHD7-related disorder. Also called: CHD7-related condition.
CHARGE syndrome (CHARGE). Also called: Hittner Hirsch Kreh syndrome; CHARGE ASSOCIATION--COLOBOMA, HEART ANOMALY, CHOANAL ATRESIA, RETARDATION, GENITAL AND EAR ANOMALIES; Coloboma, heart anomaly, choanal atresia, retardation, genital and ear anomalies; CHARGE association; Hall-Hittner syndrome. Identifiers: Orphanet 138, MedGen C0265354, MONDO:0008965.
Inborn genetic diseases. Identifiers: MedGen C0950123, MeSH D030342.

Allele frequency attached by ClinVar (database versions not stated): TOPMed 0.00007; 1000 Genomes Project 30x 0.00016; 1000 Genomes Project 0.00020; gnomAD exomes 0.00028; gnomAD 0.00032; ExAC 0.00034.
gnomAD v4.1: 153 of 1,563,228 alleles (0.0098%); highest among the groups gnomAD compares: Admixed American, 0.019%; 1 homozygote.

Submissions (5):

Labcorp Genetics (formerly Invitae), Labcorp
Classification: Benign for CHARGE syndrome. Last evaluated: 2025-10-26. Review status: criteria provided, single submitter. Criteria: Invitae Variant Classification Sherloc (09022015). Collection method: clinical testing. Allele origin: germline.

CeGaT Center for Human Genetics Tuebingen
Classification: Likely benign. Last evaluated: 2025-10-01. Review status: criteria provided, single submitter. Criteria: CeGaT Center For Human Genetics Tuebingen Variant Classification Criteria Version 2. Collection method: clinical testing. Allele origin: germline. Affected: yes. Observed: 3 variant alleles.
Comment: CHD7: BS2

Blueprint Genetics
Classification: Likely benign. Last evaluated: 2024-09-23. Review status: criteria provided, single submitter. Criteria: ACMG Guidelines, 2015. Collection method: clinical testing. Allele origin: germline.

Ambry Genetics
Classification: Likely benign for Inborn genetic diseases. Last evaluated: 2017-06-30. Review status: criteria provided, single submitter. Criteria: Ambry Variant Classification Scheme 2023. Collection method: clinical testing. Allele origin: germline.

PreventionGenetics, part of Exact Sciences
Classification: Likely benign for CHD7-related condition. Last evaluated: 2019-07-16. Review status: no assertion criteria provided. Collection method: clinical testing. Allele origin: germline. Not counted in ClinVar's aggregate classification.
Comment: This variant is classified as likely benign based on ACMG/AMP sequence variant interpretation guidelines (Richards et al. 2015 PMID: 25741868, with internal and published modifications).

NM_017780.4(CHD7):c.1958C>T (p.Pro653Leu)

Genes: CHD7 (chromodomain helicase DNA binding protein 7; plus strand), LOC126860403 (CDK7 strongly-dependent group 2 enhancer GRCh37_chr8:61693034-61694233; plus strand). Cytogenetic location: 8q12.2.
Variant type: single nucleotide variant.
Coding change: c.1958C>T on transcript NM_017780.4 (MANE Select); coding-DNA position 1958, C replaced by T.
Protein change: p.Pro653Leu; replaces proline 653 with leucine.
Molecular consequence: missense variant. On other transcripts: intron variant (1).
Genome position (GRCh38, 1-based): chr8:60,781,292, C>T. VCF-style: chr8-60781292-C-T. GRCh37 (hg19) VCF-style: chr8-61693851-C-T.
Other names: c.1716+242C>T (NM_001316690.1); short protein forms P653L.
Identifiers: ClinVar variation 698659 (VCV000698659.29), dbSNP rs200536932, ClinGen allele CA4759590.
Genomic context (GRCh38, chr8:60,781,292, plus strand): 5'-CACTGGATGGGTCCCAAGAAGAAAAAAAGAAAAAGAAAAGGTCAAAGGCAAAAAAAGACC[C>T]GAAGGAACCGAAAGAACCCAAGGAGAAAAAAGAGCCCAAGGAACCCAAGACCCCGAAAGC-3'
Protein context (NP_060250.2, residues 643-663): KKKRSKAKKD[Pro653Leu]KEPKEPKEKK